The following is an entry in ClinVar:

ClinVar aggregate classification (germline): Pathogenic. Review status: criteria provided, single submitter (1 of 4 stars). 2 submissions from 2 submitters: Pathogenic (1). 1 of the submissions does not count toward it. Last evaluated 2026-01-11.

Conditions:
Ornithine carbamoyltransferase deficiency (OTCD). Also called: ORNITHINE TRANSCARBAMYLASE DEFICIENCY, HYPERAMMONEMIA DUE TO; ORNITHINE TRANSCARBAMYLASE DEFICIENCY; OTC DEFICIENCY; Ornithine Carbamoyltransferase Deficiency Disease. Identifiers: Orphanet 664, MedGen C0268542, MONDO:0010703, OMIM 311250.

Submissions (2):

Labcorp Genetics (formerly Invitae), Labcorp
Classification: Pathogenic for Ornithine carbamoyltransferase deficiency. Last evaluated: 2026-01-11. Review status: criteria provided, single submitter. Criteria: Invitae Variant Classification Sherloc (09022015). Collection method: clinical testing. Allele origin: germline.
Comment: This sequence change replaces threonine, which is neutral and polar, with isoleucine, which is neutral and non-polar, at codon 242 of the OTC protein (p.Thr242Ile). This variant is not present in population databases (gnomAD no frequency). This missense change has been observed in individuals with ornithine transcarbamylase deficiency (PMID: 11117428, 33272297, 39256843; internal data). ClinVar contains an entry for this variant (Variation ID: 97305). Invitae Evidence Modeling of protein sequence and biophysical properties (such as structural, functional, and spatial information, amino acid conservation, physicochemical variation, residue mobility, and thermodynamic stability) indicates that this missense variant is expected to disrupt OTC protein function with a positive predictive value of 95%. Experimental studies have shown that this missense change affects OTC function (PMID: 37146589). For these reasons, this variant has been classified as Pathogenic.

GenMed Metabolism Lab
Classification: Pathogenic. Review status: no assertion criteria provided. Collection method: not provided. Allele origin: unknown. Not counted in ClinVar's aggregate classification.
Comment: p.Thr242Ile, Late
ClinVar note: Converted during submission from pathogenic to Pathogenic.

Literature cited by the submitters: PubMed 11117428 (cited by Labcorp Genetics (formerly Invitae), Labcorp); PubMed 33272297 (cited by Labcorp Genetics (formerly Invitae), Labcorp); PubMed 39256843 (cited by Labcorp Genetics (formerly Invitae), Labcorp); PubMed 37146589 (cited by Labcorp Genetics (formerly Invitae), Labcorp).

NM_000531.6(OTC):c.725C>T (p.Thr242Ile)

Gene: OTC (ornithine transcarbamylase; plus strand). Cytogenetic location: Xp11.4.
Variant type: single nucleotide variant.
Coding change: c.725C>T on transcript NM_000531.6 (MANE Select); coding-DNA position 725, C replaced by T.
Protein change: p.Thr242Ile; replaces threonine 242 with isoleucine.
Molecular consequence: missense variant.
Genome position (GRCh38, 1-based): chrX:38,408,883, C>T. VCF-style: chrX-38408883-C-T. GRCh37 (hg19) VCF-style: chrX-38268136-C-T.
Other names: short protein forms T242I.
Identifiers: ClinVar variation 97305 (VCV000097305.3), dbSNP rs72558435, ClinGen allele CA224763.